The following is an entry in ClinVar:

ClinVar aggregate classification (germline): Uncertain significance. Review status: criteria provided, multiple submitters, no conflicts (2 of 4 stars). 2 submissions from 2 submitters: Uncertain significance (2). Last evaluated 2024-07-05.

Conditions:
Inborn genetic diseases. Identifiers: MedGen C0950123, MeSH D030342.

Allele frequency attached by ClinVar (database versions not stated): gnomAD 0.00004 and 0.00005; gnomAD exomes 0.00008; TOPMed 0.00008; ExAC 0.00011; 1000 Genomes Project 0.00020; 1000 Genomes Project 30x 0.00031.
gnomAD v4.1: 87 of 1,614,028 alleles (0.0054%); highest among the groups gnomAD compares: Admixed American, 0.025%; 1 homozygote.

Submissions (2):

Ambry Genetics
Classification: Uncertain significance for Inborn genetic diseases. Last evaluated: 2024-07-05. Review status: criteria provided, single submitter. Criteria: Ambry Variant Classification Scheme 2023. Collection method: clinical testing. Allele origin: germline.

Labcorp Genetics (formerly Invitae), Labcorp
Classification: Uncertain significance. Last evaluated: 2024-05-23. Review status: criteria provided, single submitter. Criteria: Invitae Variant Classification Sherloc (09022015). Collection method: clinical testing. Allele origin: germline.
Comment: This sequence change replaces methionine, which is neutral and non-polar, with valine, which is neutral and non-polar, at codon 230 of the POLR1A protein (p.Met230Val). This variant is present in population databases (rs200317834, gnomAD 0.03%). This variant has not been reported in the literature in individuals affected with POLR1A-related conditions. ClinVar contains an entry for this variant (Variation ID: 1413407). Advanced modeling of protein sequence and biophysical properties (such as structural, functional, and spatial information, amino acid conservation, physicochemical variation, residue mobility, and thermodynamic stability) performed at Invitae indicates that this missense variant is not expected to disrupt POLR1A protein function with a negative predictive value of 80%. In summary, the available evidence is currently insufficient to determine the role of this variant in disease. Therefore, it has been classified as a Variant of Uncertain Significance.

NM_015425.6(POLR1A):c.688A>G (p.Met230Val)

Gene: POLR1A (RNA polymerase I subunit A; minus strand). Cytogenetic location: 2p11.2.
Variant type: single nucleotide variant.
Coding change: c.688A>G on transcript NM_015425.6 (MANE Select); coding-DNA position 688, A replaced by G.
Protein change: p.Met230Val; replaces methionine 230 with valine.
Molecular consequence: missense variant.
Genome position (GRCh38, 1-based): chr2:86,088,608, T>C on the plus strand (A>G on the coding strand, the complement: POLR1A is on the minus strand). VCF-style: chr2-86088608-T-C. GRCh37 (hg19) VCF-style: chr2-86315731-T-C.
Other names: c.688A>G (NM_015425.3); short protein forms M230V.
Identifiers: ClinVar variation 1413407 (VCV001413407.7), dbSNP rs200317834, ClinGen allele CA1746570.